The following is an entry in ClinVar:

NM_007294.4(BRCA1):c.5407-14T>C

Gene: BRCA1 (BRCA1 DNA repair associated; minus strand). Cytogenetic location: 17q21.31.
Variant type: single nucleotide variant.
Coding change: c.5407-14T>C on transcript NM_007294.4 (MANE Select); 14 bases into the intron before coding-DNA position 5407, T replaced by C.
Molecular consequence: intron variant.
Genome position (GRCh38, 1-based): chr17:43,047,717, A>G on the plus strand (T>C on the coding strand, the complement: BRCA1 is on the minus strand). VCF-style: chr17-43047717-A-G. GRCh37 (hg19) VCF-style: chr17-41199734-A-G.
Other names: c.1954-14T>C (NM_001408458.1, NM_001408461.1, NM_001408464.1 and 7 more transcripts); c.4516-14T>C (NM_001407967.1); c.5026-14T>C (NM_001407959.1); c.5140-14T>C (NM_001407931.1, NM_001407932.1, NM_001407928.1 and 4 more transcripts); c.5263-14T>C (NM_001407747.1, NM_001407745.1, NM_001407737.1 and 18 more transcripts); c.5023-14T>C (NM_001407962.1, NM_001407960.1); c.1594-14T>C (NM_001408512.1); c.1717-14T>C (NM_001408510.1); and 83 more.
Identifiers: ClinVar variation 865728 (VCV000865728.4), dbSNP rs2050998366, ClinGen allele CA916080799.

ClinVar aggregate classification (germline): Likely benign (1 of 4 stars; one submission).

Submissions (2):

Women's Health and Genetics/Laboratory Corporation of America, LabCorp
Classification: Likely benign. Last evaluated: 2024-12-13. Review status: criteria provided, single submitter. Criteria: LabCorp Variant Classification Summary - May 2015. Collection method: clinical testing. Allele origin: germline.
Comment: Variant summary: BRCA1 c.5407-14T>C alters a nucleotide located at a position not widely known to affect splicing. Consensus agreement among computation tools predict no significant impact on normal splicing. However, these predictions have yet to be confirmed by functional studies. The variant was absent in 251440 control chromosomes. The available data on variant occurrences in the general population are insufficient to allow any conclusion about variant significance. To our knowledge, no occurrence of c.5407-14T>C in individuals affected with Hereditary Breast And Ovarian Cancer Syndrome and no experimental evidence demonstrating its impact on protein function have been reported. ClinVar contains an entry for this variant (Variation ID: 865728). Based on the evidence outlined above, the variant was classified as likely benign.

Brotman Baty Institute, University of Washington
No classification provided (evidence only). Condition: Breast-ovarian cancer, familial 1. Review status: no classification provided. Collection method: in vitro. Allele origin: not applicable. Functional consequence: functionally_normal. Not counted in ClinVar's aggregate classification.
ClinVar note: "not provided" was previously submitted as the classification for the variant. However, the classification appeared to be based only on an observation of functional data so it was converted to no classification on 2025-07-30.